The following is an entry in ClinVar:

NM_004370.6(COL12A1):c.9010+6T>G

Gene: COL12A1 (collagen type XII alpha 1 chain; minus strand). Cytogenetic location: 6q13.
Variant type: single nucleotide variant.
Coding change: c.9010+6T>G on transcript NM_004370.6 (MANE Select); 6 bases into the intron after coding-DNA position 9010, T replaced by G.
Molecular consequence: intron variant.
Genome position (GRCh38, 1-based): chr6:75,089,100, A>C on the plus strand (T>G on the coding strand, the complement: COL12A1 is on the minus strand). VCF-style: chr6-75089100-A-C. GRCh37 (hg19) VCF-style: chr6-75798816-A-C.
Other names: c.5518+6T>G (NM_080645.3).
Identifiers: ClinVar variation 2580558 (VCV002580558.3), dbSNP rs756044625, ClinGen allele CA3892053.

ClinVar aggregate classification (germline): Uncertain significance. Review status: criteria provided, multiple submitters, no conflicts (2 of 4 stars). 2 submissions from 2 submitters: Uncertain significance (2). Last evaluated 2026-01-18.

Conditions:
Ullrich congenital muscular dystrophy 2 (UCMD2). Identifiers: Orphanet 75840, MedGen C4225314, MONDO:0014654, OMIM 616470.
Bethlem myopathy 2 (BTHLM2). Identifiers: Orphanet 536516, Orphanet 610, MedGen C4225313, MONDO:0034022, OMIM 616471.

Allele frequency attached by ClinVar (database versions not stated): gnomAD exomes 0.00001; TOPMed 0.00003; ExAC 0.00002; gnomAD 0.00003.
gnomAD v4.1: 11 of 1,607,128 alleles (0.00068%); highest among the groups gnomAD compares: African/African-American, 0.0013%; no homozygotes.

Submissions (2):

Labcorp Genetics (formerly Invitae), Labcorp
Classification: Uncertain significance for Bethlem myopathy 2; Ullrich congenital muscular dystrophy 2. Last evaluated: 2026-01-18. Review status: criteria provided, single submitter. Criteria: Invitae Variant Classification Sherloc (09022015). Collection method: clinical testing. Allele origin: germline.
Comment: This sequence change falls in intron 64 of the COL12A1 gene. It does not directly change the encoded amino acid sequence of the COL12A1 protein. It affects a nucleotide within the consensus splice site. This variant is present in population databases (rs756044625, gnomAD 0.007%). This variant has not been reported in the literature in individuals affected with COL12A1-related conditions. ClinVar contains an entry for this variant (Variation ID: 2580558). Variants that disrupt the consensus splice site are a relatively common cause of aberrant splicing (PMID: 17576681, 9536098). Algorithms developed to predict the effect of sequence changes on RNA splicing suggest that this variant is not likely to affect RNA splicing. In summary, the available evidence is currently insufficient to determine the role of this variant in disease. Therefore, it has been classified as a Variant of Uncertain Significance.

GeneDx
Classification: Uncertain significance. Last evaluated: 2023-03-20. Review status: criteria provided, single submitter. Criteria: GeneDx Variant Classification Process June 2021. Collection method: clinical testing. Allele origin: germline. Affected: yes.
Comment: In silico analysis supports that this variant does not alter splicing; Has not been previously published as pathogenic or benign to our knowledge

Literature cited by the submitters: PubMed 17576681 (cited by Labcorp Genetics (formerly Invitae), Labcorp); PubMed 9536098 (cited by Labcorp Genetics (formerly Invitae), Labcorp).